The following is an entry in ClinVar:

ClinVar aggregate classification (germline): Benign. Review status: criteria provided, multiple submitters, no conflicts (2 of 4 stars). 4 submissions from 4 submitters: Benign (4). Last evaluated 2026-01-28.

Conditions:
Ulnar-mammary syndrome (UMS). Also called: SCHINZEL SYNDROME; Ulnar-mammary syndrome of Pallister; PALLISTER ULNAR-MAMMARY SYNDROME. Identifiers: Orphanet 3138, MedGen C1866994, MONDO:0008411, OMIM 181450.

Allele frequency attached by ClinVar (database versions not stated): gnomAD exomes 0.00158 and 0.00418; ExAC 0.00509; 1000 Genomes Project 0.01458; 1000 Genomes Project 30x 0.01515; gnomAD 0.01584 and 0.01702; TOPMed 0.01758; ESP Exome Variant Server 0.01999.
gnomAD v4.1: 4,830 of 1,614,128 alleles (0.3%); highest among the groups gnomAD compares: African/African-American, 5.4%; 127 homozygotes.

Submissions (4):

Labcorp Genetics (formerly Invitae), Labcorp
Classification: Benign for Ulnar-mammary syndrome. Last evaluated: 2026-01-28. Review status: criteria provided, single submitter. Criteria: Invitae Variant Classification Sherloc (09022015). Collection method: clinical testing. Allele origin: germline.

GeneDx
Classification: Benign. Last evaluated: 2019-05-06. Review status: criteria provided, single submitter. Criteria: GeneDx Variant Classification Process June 2021. Collection method: clinical testing. Allele origin: germline. Affected: yes.

Illumina Laboratory Services, Illumina
Classification: Benign for Ulnar-mammary syndrome. Last evaluated: 2018-01-12. Review status: criteria provided, single submitter. Criteria: ICSL Variant Classification Criteria 13 December 2019. Collection method: clinical testing. Allele origin: germline.
Comment: This variant was observed in the ICSL laboratory as part of a predisposition screen in an ostensibly healthy population. It had not been previously curated by ICSL or reported in the Human Gene Mutation Database (HGMD: prior to June 1st, 2018), and was therefore a candidate for classification through an automated scoring system. Utilizing variant allele frequency, disease prevalence and penetrance estimates, and inheritance mode, an automated score was calculated to assess if this variant is too frequent to cause the disease. Based on the score and internal cut-off values, a variant classified as benign is not then subjected to further curation. The score for this variant resulted in a classification of benign for this disease.

Breakthrough Genomics
Classification: Benign. Review status: criteria provided, single submitter. Criteria: ACMG Guidelines, 2015. Collection method: not provided. Allele origin: germline. Inheritance: Autosomal dominant inheritance. Affected: yes.

NM_005996.4(TBX3):c.619C>T (p.Leu207=)

Gene: TBX3 (T-box transcription factor 3; minus strand). Cytogenetic location: 12q24.21.
Variant type: single nucleotide variant.
Coding change: c.619C>T on transcript NM_005996.4 (MANE Select); coding-DNA position 619, C replaced by T.
Protein change: p.Leu207=; no amino-acid change (leucine 207 retained).
Molecular consequence: synonymous variant.
Genome position (GRCh38, 1-based): chr12:114,680,917, G>A on the plus strand (C>T on the coding strand, the complement: TBX3 is on the minus strand). VCF-style: chr12-114680917-G-A. GRCh37 (hg19) VCF-style: chr12-115118722-G-A.
Other names: c.619C>T, p.Leu207= (NM_016569.4).
Identifiers: ClinVar variation 307374 (VCV000307374.16), dbSNP rs35069811, ClinGen allele CA6810164.
Genomic context (GRCh38, chr12:114,680,917, plus strand): 5'-TGAAGAGAGCAATGAAACTTACAAATCCATGTTTGTCTGAAATGTTGTTGGTGAGTTTCA[G>A]TTTGTGGAAAGTGACGACTTTGGACATCCACTGTTCCCCAGTAGCGGGGCTGTCCGGGTG-3'
Protein context (NP_005987.3, residues 197-217): WMSKVVTFHK[Leu207=]KLTNNISDKH